The following is an entry in ClinVar:

ClinVar aggregate classification (germline): Conflicting classifications of pathogenicity. Review status: criteria provided, conflicting classifications (1 of 4 stars). 3 submissions from 2 submitters: Uncertain significance (2); Likely benign (1). Last evaluated 2025-01-15.

Conditions:
TTC8-related disorder. Also called: TTC8-related condition.
Retinitis pigmentosa (RP). Identifiers: Orphanet 791, MedGen C0035334, MeSH D012174, MONDO:0019200, OMIM 268000. Inheritance: Autosomal dominant, autosomal recessive and X linked inheritance.
Bardet-Biedl syndrome 8 (BBS8). Identifiers: Orphanet 110, MedGen C1859566, MONDO:0014436, OMIM 615985.

Allele frequency attached by ClinVar (database versions not stated): gnomAD below 0.00001 and 0.00003; TOPMed 0.00001; gnomAD exomes 0.00010; ExAC 0.00032; 1000 Genomes Project 0.00040; 1000 Genomes Project 30x 0.00062.
gnomAD v4.1: 74 of 1,518,690 alleles (0.0049%); highest among the groups gnomAD compares: South Asian, 0.039%; 1 homozygote.

Submissions (3):

PreventionGenetics, part of Exact Sciences
Classification: Likely benign for TTC8-related condition. Last evaluated: 2025-01-15. Review status: criteria provided, single submitter. Criteria: ACMG Guidelines, 2015. Collection method: clinical testing. Allele origin: germline.
Comment: This variant is classified as likely benign based on ACMG/AMP sequence variant interpretation guidelines (Richards et al. 2015 PMID: 25741868, with internal and published modifications).

Illumina Laboratory Services, Illumina
Classification: Uncertain significance for Bardet-Biedl syndrome 8. Last evaluated: 2018-01-13. Review status: criteria provided, single submitter. Criteria: ICSL Variant Classification Criteria 13 December 2019. Collection method: clinical testing. Allele origin: germline.

Illumina Laboratory Services, Illumina
Classification: Uncertain significance for Retinitis pigmentosa. Last evaluated: 2018-01-13. Review status: criteria provided, single submitter. Criteria: ICSL Variant Classification Criteria 13 December 2019. Collection method: clinical testing. Allele origin: germline.

NM_144596.4(TTC8):c.-44C>T

Gene: TTC8 (tetratricopeptide repeat domain 8; plus strand). Cytogenetic location: 14q31.3.
Variant type: single nucleotide variant.
Coding change: c.-44C>T on transcript NM_144596.4 (MANE Select); 44 bases upstream of the start codon, C replaced by T.
Molecular consequence: 5 prime UTR variant. On other transcripts: non-coding transcript variant (1).
Genome position (GRCh38, 1-based): chr14:88,824,664, C>T. VCF-style: chr14-88824664-C-T. GRCh37 (hg19) VCF-style: chr14-89291008-C-T.
Other names: c.-44C>T (NM_001288781.1, NM_001366535.2, NM_001366536.2 and 3 more transcripts); c.-606C>T (NM_001288782.1); c.-701C>T (NM_001288783.1).
Identifiers: ClinVar variation 314795 (VCV000314795.6), dbSNP rs571786285, ClinGen allele CA7302274.
Genomic context (GRCh38, chr14:88,824,664, plus strand): 5'-CCAGCCGTCGCGGGTTGCCGGGCAGAGTCGGACGCCGCCAGCTCTTCACTCCACGCCCAC[C>T]TCTCTCCTGGAGCGCTGGGCCTTCGCTGGCCGCACCGGCAGCCATGAGCTCGGAGATGGA-3'